The following is an entry in ClinVar:

ClinVar aggregate classification (germline): Uncertain significance (1 of 4 stars; one submission).

Submission:

Ambry Genetics
Classification: Uncertain significance. Last evaluated: 2025-03-14. Review status: criteria provided, single submitter. Criteria: Ambry Variant Classification Scheme 2023. Collection method: clinical testing. Allele origin: germline.
Comment: The p.E533Q variant (also known as c.1597G>C), located in coding exon 16 of the KIF1B gene, results from a G to C substitution at nucleotide position 1597. The glutamic acid at codon 533 is replaced by glutamine, an amino acid with highly similar properties. This amino acid position is conserved. In addition, the in silico prediction for this alteration is inconclusive. Based on the available evidence, the clinical significance of this variant remains unclear.

NM_001365951.3(KIF1B):c.1735G>C (p.Glu579Gln)

Gene: KIF1B (kinesin family member 1B; plus strand). Cytogenetic location: 1p36.22.
Variant type: single nucleotide variant.
Coding change: c.1735G>C on transcript NM_001365951.3 (MANE Select); coding-DNA position 1735, G replaced by C.
Protein change: p.Glu579Gln; replaces glutamic acid 579 with glutamine.
Molecular consequence: missense variant.
Genome position (GRCh38, 1-based): chr1:10,295,724, G>C. VCF-style: chr1-10295724-G-C. GRCh37 (hg19) VCF-style: chr1-10355782-G-C.
Other names: c.1735G>C, p.Glu579Gln (NM_001365952.1); c.1597G>C, p.Glu533Gln (NM_001365953.1, NM_015074.3, NM_183416.4); short protein forms E533Q, E579Q.
Identifiers: ClinVar variation 3864129 (VCV003864129.1).